The following is an entry in ClinVar:

NM_004656.4(BAP1):c.1652G>C (p.Arg551Pro)

Gene: BAP1 (BRCA1 associated deubiquitinase 1; minus strand). Cytogenetic location: 3p21.1.
Variant type: single nucleotide variant.
Coding change: c.1652G>C on transcript NM_004656.4 (MANE Select); coding-DNA position 1652, G replaced by C.
Protein change: p.Arg551Pro; replaces arginine 551 with proline.
Molecular consequence: missense variant.
Genome position (GRCh38, 1-based): chr3:52,403,493, C>G on the plus strand (G>C on the coding strand, the complement: BAP1 is on the minus strand). VCF-style: chr3-52403493-C-G. GRCh37 (hg19) VCF-style: chr3-52437509-C-G.
Other names: c.1598G>C, p.Arg533Pro (NM_001410772.1); short protein forms R533P, R551P.
Identifiers: ClinVar variation 3656536 (VCV003656536.2).

ClinVar aggregate classification (germline): Uncertain significance (1 of 4 stars; one submission).

Conditions:
BAP1-related tumor predisposition syndrome (TPDS1). Also called: Tumor susceptibility linked to germline BAP1 mutations; COMMON Syndrome; TUMOR PREDISPOSITION SYNDROME 1; BAP1 tumor predisposition syndrome. Identifiers: Orphanet 289539, MedGen C3280492, MONDO:0013692, OMIM 614327.

Submission:

Labcorp Genetics (formerly Invitae), Labcorp
Classification: Uncertain significance for BAP1-related tumor predisposition syndrome. Last evaluated: 2024-10-30. Review status: criteria provided, single submitter. Criteria: Invitae Variant Classification Sherloc (09022015). Collection method: clinical testing. Allele origin: germline.
Comment: This sequence change replaces arginine, which is basic and polar, with proline, which is neutral and non-polar, at codon 551 of the BAP1 protein (p.Arg551Pro). This variant is not present in population databases (gnomAD no frequency). This variant has not been reported in the literature in individuals affected with BAP1-related conditions. Invitae Evidence Modeling of protein sequence and biophysical properties (such as structural, functional, and spatial information, amino acid conservation, physicochemical variation, residue mobility, and thermodynamic stability) has been performed for this missense variant. However, the output from this modeling did not meet the statistical confidence thresholds required to predict the impact of this variant on BAP1 protein function. In summary, the available evidence is currently insufficient to determine the role of this variant in disease. Therefore, it has been classified as a Variant of Uncertain Significance.